The following is an entry in ClinVar:

ClinVar aggregate classification (germline): Likely pathogenic. Review status: criteria provided, single submitter (1 of 4 stars). 2 submissions from 2 submitters: Likely pathogenic (1). 1 of the submissions does not count toward it. Last evaluated 2025-11-21.

Conditions:
Microcephalic primordial dwarfism due to ZNF335 deficiency. Also called: Primary autosomal recessive microcephaly 10. Identifiers: Orphanet 329228, MedGen C3554499, MONDO:0014043, OMIM 615095.

Allele frequency attached by ClinVar (database versions not stated): TOPMed below 0.00001; gnomAD 0.00001.
gnomAD v4.1: 10 of 1,614,100 alleles (0.00062%); highest among the groups gnomAD compares: South Asian, 0.0033%; no homozygotes.

Submissions (2):

Variantyx, Inc.
Classification: Likely pathogenic for Microcephalic primordial dwarfism due to ZNF335 deficiency. Last evaluated: 2025-11-21. Review status: criteria provided, single submitter. Criteria: Variantyx Assertion Criteria 2022. Collection method: clinical testing. Allele origin: germline. Inheritance: Autosomal recessive inheritance.
Comment: This is a nonsynonymous variant in the ZNF335 gene (OMIM: 610827). Pathogenic variants in this gene have been associated with autosomal recessive primary microcephaly 10. This variant is expected to result in loss of function through altered splicing, which is a known disease mechanism for ZNF335 in this disorder (PMID:23178126) (PVS1). It has been reported in the homozygous or compound heterozygous state in 6 affected individuals from one family (PMID:23178126) and it has a 0.0033% maximum allele frequency in non-founder control populations (PM2). Based on the current evidence, this variant is classified as likely pathogenic for autosomal recessive primary microcephaly 10.

OMIM
Classification: Pathogenic for MICROCEPHALY 10, PRIMARY, AUTOSOMAL RECESSIVE. Last evaluated: 2012-11-21. Review status: no assertion criteria provided. Collection method: literature only. Allele origin: germline. Not counted in ClinVar's aggregate classification.

Literature cited by the submitters: PubMed 23178126 (cited by Variantyx, Inc. and OMIM).

NM_022095.4(ZNF335):c.3332G>A (p.Arg1111His)

Gene: ZNF335 (zinc finger protein 335; minus strand). Cytogenetic location: 20q13.12.
Variant type: single nucleotide variant.
Coding change: c.3332G>A on transcript NM_022095.4 (MANE Select); coding-DNA position 3332, G replaced by A.
Protein change: p.Arg1111His; replaces arginine 1111 with histidine.
Molecular consequence: missense variant.
Genome position (GRCh38, 1-based): chr20:45,950,453, C>T on the plus strand (G>A on the coding strand, the complement: ZNF335 is on the minus strand). VCF-style: chr20-45950453-C-T. GRCh37 (hg19) VCF-style: chr20-44579092-C-T.
Other names: short protein forms R1111H.
Identifiers: ClinVar variation 40116 (VCV000040116.2), dbSNP rs397514642, ClinGen allele CA210874.